The following is an entry in ClinVar:

ClinVar aggregate classification (germline): Uncertain significance (1 of 4 stars; one submission).

gnomAD v4.1: 2 of 1,526,082 alleles (0.00013%); highest among the groups gnomAD compares: East Asian, 0.005%; no homozygotes.

Submission:

Ambry Genetics
Classification: Uncertain significance. Last evaluated: 2025-10-22. Review status: criteria provided, single submitter. Criteria: Ambry Variant Classification Scheme 2023. Collection method: clinical testing. Allele origin: germline.
Comment: The c.448T>C (p.S150P) alteration is located in exon 1 (coding exon 1) of the KCNG3 gene. This alteration results from a T to C substitution at nucleotide position 448, causing the serine (S) at amino acid position 150 to be replaced by a proline (P). Based on data from gnomAD, the C allele has an overall frequency of 0.001% (1/121684) total alleles studied. The highest observed frequency was 0.011% (1/9542) of East Asian alleles. Based on insufficient or conflicting evidence, the clinical significance of this alteration remains unclear.

NM_133329.6(KCNG3):c.448T>C (p.Ser150Pro)

Gene: KCNG3 (potassium voltage-gated channel modifier subfamily G member 3; minus strand). Cytogenetic location: 2p21.
Variant type: single nucleotide variant.
Coding change: c.448T>C on transcript NM_133329.6 (MANE Select); coding-DNA position 448, T replaced by C.
Protein change: p.Ser150Pro; replaces serine 150 with proline.
Molecular consequence: missense variant.
Genome position (GRCh38, 1-based): chr2:42,493,054, A>G on the plus strand (T>C on the coding strand, the complement: KCNG3 is on the minus strand). VCF-style: chr2-42493054-A-G. GRCh37 (hg19) VCF-style: chr2-42720194-A-G.
Other names: c.448T>C, p.Ser150Pro (NM_172344.3); short protein forms S150P.
Identifiers: ClinVar variation 4542628 (VCV004542628.1).